The following is an entry in ClinVar:

NM_000539.3(RHO):c.450G>C (p.Glu150Asp)

Gene: RHO (rhodopsin; plus strand). Cytogenetic location: 3q22.1.
Variant type: single nucleotide variant.
Coding change: c.450G>C on transcript NM_000539.3 (MANE Select); coding-DNA position 450, G replaced by C.
Protein change: p.Glu150Asp; replaces glutamic acid 150 with aspartic acid.
Molecular consequence: missense variant.
Genome position (GRCh38, 1-based): chr3:129,530,964, G>C. VCF-style: chr3-129530964-G-C. GRCh37 (hg19) VCF-style: chr3-129249807-G-C.
Other names: short protein forms E150D.
Identifiers: ClinVar variation 2894558 (VCV002894558.3), dbSNP rs1171093745, ClinGen allele CA354498294.

ClinVar aggregate classification (germline): Uncertain significance (1 of 4 stars; one submission).

Allele frequency attached by ClinVar (database versions not stated): gnomAD exomes below 0.00001; TOPMed below 0.00001.
gnomAD v4.1: 6 of 1,614,270 alleles (0.00037%); highest among the groups gnomAD compares: Non-Finnish European, 0.00051%; no homozygotes.

Submission:

Labcorp Genetics (formerly Invitae), Labcorp
Classification: Uncertain significance. Last evaluated: 2026-02-01. Review status: criteria provided, single submitter. Criteria: Invitae Variant Classification Sherloc (09022015). Collection method: clinical testing. Allele origin: germline.
Comment: This sequence change replaces glutamic acid, which is acidic and polar, with aspartic acid, which is acidic and polar, at codon 150 of the RHO protein (p.Glu150Asp). This variant is not present in population databases (gnomAD no frequency). This variant has not been reported in the literature in individuals affected with RHO-related conditions. ClinVar contains an entry for this variant (Variation ID: 2894558). Invitae Evidence Modeling of protein sequence and biophysical properties (such as structural, functional, and spatial information, amino acid conservation, physicochemical variation, residue mobility, and thermodynamic stability) has been performed for this missense variant. However, the output from this modeling did not meet the statistical confidence thresholds required to predict the impact of this variant on RHO protein function. This variant disrupts the p.Glu150 amino acid residue in RHO. Other variant(s) that disrupt this residue have been determined to be pathogenic (PMID: 19960070, 23221340, 26887858). This suggests that this residue is clinically significant, and that variants that disrupt this residue are likely to be disease-causing. In summary, the available evidence is currently insufficient to determine the role of this variant in disease. Therefore, it has been classified as a Variant of Uncertain Significance.

Literature cited by the submitters: PubMed 19960070; PubMed 23221340; PubMed 26887858.